The following is an entry in ClinVar:

ClinVar aggregate classification (germline): Uncertain significance (1 of 4 stars; one submission).

Allele frequency attached by ClinVar (database versions not stated): gnomAD exomes below 0.00001; gnomAD 0.00001; TOPMed 0.00001.
gnomAD v4.1: 4 of 1,209,262 alleles (0.00033%); highest among the groups gnomAD compares: Non-Finnish European, 0.00045%; no homozygotes.

Submission:

GeneDx
Classification: Uncertain significance. Last evaluated: 2022-04-21. Review status: criteria provided, single submitter. Criteria: GeneDx Variant Classification Process June 2021. Collection method: clinical testing. Allele origin: germline. Affected: yes.
Comment: Not observed at significant frequency in large population cohorts (gnomAD); In silico analysis supports that this missense variant does not alter protein structure/function; Has not been previously published as pathogenic or benign to our knowledge

NM_001257291.2(SLC9A7):c.370A>C (p.Ser124Arg)

Gene: SLC9A7 (solute carrier family 9 member A7; minus strand). Cytogenetic location: Xp11.3.
Variant type: single nucleotide variant.
Coding change: c.370A>C on transcript NM_001257291.2 (MANE Select); coding-DNA position 370, A replaced by C.
Protein change: p.Ser124Arg; replaces serine 124 with arginine.
Molecular consequence: missense variant.
Genome position (GRCh38, 1-based): chrX:46,682,491, T>G on the plus strand (A>C on the coding strand, the complement: SLC9A7 is on the minus strand). VCF-style: chrX-46682491-T-G. GRCh37 (hg19) VCF-style: chrX-46541926-T-G.
Other names: c.370A>C, p.Ser124Arg (NM_032591.3); short protein forms S124R.
Identifiers: ClinVar variation 1723113 (VCV001723113.2), dbSNP rs1350443167, ClinGen allele CA413034325.
Genomic context (GRCh38, chrX:46,682,491, plus strand): 5'-CTAATAAGGTACTGAAGGCCCTGTCTTCCTGAGTGCAGCTGAGTGATTTGTCACGGCCAC[T>G]GGTAGCAGGGGTACCATACCTCAGGATCACCCCAACGATGAGCCCTGAAAGAGTGGAAAA-3'
Protein context (NP_001244220.1, residues 114-134): VILRYGTPAT[Ser124Arg]GRDKSLSCTQ